The following is an entry in ClinVar:

NM_001429.4(EP300):c.2260C>T (p.Arg754Cys)

Gene: EP300 (E1A binding protein p300; plus strand). Cytogenetic location: 22q13.2.
Variant type: single nucleotide variant.
Coding change: c.2260C>T on transcript NM_001429.4 (MANE Select); coding-DNA position 2260, C replaced by T.
Protein change: p.Arg754Cys; replaces arginine 754 with cysteine.
Molecular consequence: missense variant.
Genome position (GRCh38, 1-based): chr22:41,149,056, C>T. VCF-style: chr22-41149056-C-T. GRCh37 (hg19) VCF-style: chr22-41545060-C-T.
Other names: c.2182C>T, p.Arg728Cys (NM_001362843.2); short protein forms R728C, R754C.
Identifiers: ClinVar variation 1311630 (VCV001311630.2), dbSNP rs2145735782, ClinGen allele CA411690429.
Genomic context (GRCh38, chr22:41,149,056, plus strand): 5'-TAATGAAGCAGTTTGGTGATTTGTGTTTTTTTTTTTTTTCAGCCTATGGGCTATGGGCCT[C>T]GTATGCAACAGCCTTCCAACCAGGGCCAGTTCCTTCCTCAGACTCAGTTCCCATCACAGG-3'
Protein context (NP_001420.2, residues 744-764): ALNPPMGYGP[Arg754Cys]MQQPSNQGQF

ClinVar aggregate classification (germline): Uncertain significance (1 of 4 stars; one submission).

Allele frequency attached by ClinVar (database versions not stated): gnomAD exomes 0.00001.
gnomAD v4.1: 9 of 1,612,056 alleles (0.00056%); highest among the groups gnomAD compares: South Asian, 0.0022%; no homozygotes.

Submission:

GeneDx
Classification: Uncertain significance. Last evaluated: 2019-12-31. Review status: criteria provided, single submitter. Criteria: GeneDx Variant Classification Process June 2021. Collection method: clinical testing. Allele origin: germline. Affected: yes.
Comment: In silico analysis, which includes protein predictors and evolutionary conservation, supports a deleterious effect; Has not been previously published as pathogenic or benign to our knowledge